The following is an entry in ClinVar:

NM_002303.6(LEPR):c.39G>T (p.Trp13Cys)

Gene: LEPR (leptin receptor; plus strand). Cytogenetic location: 1p31.3.
Variant type: single nucleotide variant.
Coding change: c.39G>T on transcript NM_002303.6 (MANE Select); coding-DNA position 39, G replaced by T.
Protein change: p.Trp13Cys; replaces tryptophan 13 with cysteine.
Molecular consequence: missense variant.
Genome position (GRCh38, 1-based): chr1:65,565,604, G>T. VCF-style: chr1-65565604-G-T. GRCh37 (hg19) VCF-style: chr1-66031287-G-T.
Other names: c.39G>T, p.Trp13Cys (NM_001003679.3, NM_001003680.3, NM_001198687.2 and 2 more transcripts); short protein forms W13C.
Identifiers: ClinVar variation 4989272 (VCV004989272.1).
Genomic context (GRCh38, chr1:65,565,604, plus strand): 5'-AGGTGTACTTCTCTGAAGTAAGATGATTTGTCAAAAATTCTGTGTGGTTTTGTTACATTG[G>T]GGTAAGTTATTTGCTCATTTGCTGTTTTAATGCCCTTAAACATGGTAGAGATTTTGCCTT-3'
Protein context (NP_002294.2, residues 3-23): CQKFCVVLLH[Trp13Cys]EFIYVITAFN

ClinVar aggregate classification (germline): Uncertain significance (1 of 4 stars; one submission).

Conditions:
LEPR-related disorder. Also called: LEPR-related disorders; LEPR-related condition.

gnomAD v4.1: 17 of 1,613,798 alleles (0.0011%); highest among the groups gnomAD compares: African/African-American, 0.015%; no homozygotes.

Submission:

PreventionGenetics, part of Exact Sciences
Classification: Uncertain significance for LEPR-related condition. Last evaluated: 2025-12-05. Review status: criteria provided, single submitter. Criteria: ACMG Guidelines, 2015. Collection method: clinical testing. Allele origin: germline.
Comment: The LEPR c.39G>T variant is predicted to result in the amino acid substitution p.Trp13Cys. To our knowledge, this variant has not been reported in the literature in individuals with leptin receptor deficiency. An in vitro experimental study suggests this variant has equivalent activity compared to control (Table S2, Shah et al. 2023. PubMed ID: 36864747). This variant is reported in 0.012% of alleles in individuals of African descent in gnomAD. Although we suspect that this variant may be benign, at this time, the clinical significance of this variant is uncertain due to the absence of conclusive functional and genetic evidence.